The following is an entry in ClinVar:

NM_001283009.2(RTEL1):c.1720C>T (p.Arg574Trp)

Genes: RTEL1 (regulator of telomere elongation helicase 1; plus strand), RTEL1-TNFRSF6B (RTEL1-TNFRSF6B readthrough (NMD candidate); plus strand). Cytogenetic location: 20q13.33.
Variant type: single nucleotide variant.
Coding change: c.1720C>T on transcript NM_001283009.2 (MANE Select); coding-DNA position 1720, C replaced by T.
Protein change: p.Arg574Trp; replaces arginine 574 with tryptophan.
Molecular consequence: missense variant. On other transcripts: non-coding transcript variant (1).
Genome position (GRCh38, 1-based): chr20:63,688,384, C>T. VCF-style: chr20-63688384-C-T. GRCh37 (hg19) VCF-style: chr20-62319737-C-T.
Other names: p.Arg574Trp; c.1051C>T, p.Arg351Trp (NM_001283010.1); c.1720C>T, p.Arg574Trp (NM_016434.4); c.1792C>T, p.Arg598Trp (NM_032957.5); short protein forms R351W, R574W, R598W.
Identifiers: ClinVar variation 664328 (VCV000664328.32), dbSNP rs1601164606, ClinGen allele CA409677842.
Genomic context (GRCh38, chr20:63,688,384, plus strand): 5'-TATGGGCTCCTGATCTTCTTCCCTTCCTATCCTGTCATGGAGAAGAGCCTGGAGTTCTGG[C>T]GGGTGCGTCTCCCCTGTGTTCTGGGCGGGGTGGGTGAGGGCAGGGCTGGAGCATGAAGCA-3'
Protein context (NP_001269938.1, residues 564-584): PVMEKSLEFW[Arg574Trp]ARDLARKMEA

ClinVar aggregate classification (germline): Uncertain significance. Review status: criteria provided, multiple submitters, no conflicts (2 of 4 stars). 3 submissions from 3 submitters: Uncertain significance (2). 1 of the submissions does not count toward it. Last evaluated 2023-07-17.

Conditions:
Pulmonary fibrosis. Identifiers: MedGen C0034069, MONDO:0002771, HP:0002206.
Pulmonary fibrosis and/or bone marrow failure, Telomere-related, 3. Also called: PULMONARY FIBROSIS AND/OR BONE MARROW FAILURE SYNDROME, TELOMERE-RELATED, 3. Identifiers: Orphanet 2032, MedGen C4225346, MONDO:0014613, OMIM 616373.
Dyskeratosis congenita, autosomal recessive 5 (DKCB5). Identifiers: MedGen C3554656, MONDO:0014076, OMIM 615190.

Allele frequency attached by ClinVar (database versions not stated): gnomAD exomes below 0.00001; gnomAD 0.00001; TOPMed 0.00001.
gnomAD v4.1: 2 of 1,601,994 alleles (0.00012%); highest among the groups gnomAD compares: Non-Finnish European, 0.00017%; no homozygotes.

Submissions (3):

Blueprint Genetics
Classification: Uncertain significance. Last evaluated: 2023-07-17. Review status: criteria provided, single submitter. Criteria: ACMG Guidelines, 2015. Collection method: clinical testing. Allele origin: germline.

Labcorp Genetics (formerly Invitae), Labcorp
Classification: Uncertain significance for Dyskeratosis congenita, autosomal recessive 5; Pulmonary fibrosis and/or bone marrow failure, Telomere-related, 3. Last evaluated: 2022-01-21. Review status: criteria provided, single submitter. Criteria: Invitae Variant Classification Sherloc (09022015). Collection method: clinical testing. Allele origin: germline.
Comment: This sequence change replaces arginine, which is basic and polar, with tryptophan, which is neutral and slightly polar, at codon 574 of the RTEL1 protein (p.Arg574Trp). This variant is not present in population databases (gnomAD no frequency). This missense change has been observed in individual(s) with familial interstitial pneumonia (PMID: 29361909). This variant is also known as R574W. ClinVar contains an entry for this variant (Variation ID: 664328). Algorithms developed to predict the effect of missense changes on protein structure and function (SIFT, PolyPhen-2, Align-GVGD) all suggest that this variant is likely to be disruptive. Algorithms developed to predict the effect of sequence changes on RNA splicing suggest that this variant may create or strengthen a splice site. In summary, the available evidence is currently insufficient to determine the role of this variant in disease. Therefore, it has been classified as a Variant of Uncertain Significance.

Garcia Pulmonary Genetics Research Laboratory, Columbia University Irving Medical Center
Classification: Likely risk allele for Pulmonary fibrosis. Last evaluated: 2022-06-09. Review status: no assertion criteria provided. Collection method: research. Allele origin: germline. Affected: yes. Not counted in ClinVar's aggregate classification.
Comment: Leukocyte telomere length (by qPCR) less than 10th percentile age-adjusted

Literature cited by the submitters: PubMed 29361909 (cited by Labcorp Genetics (formerly Invitae), Labcorp).